The following is an entry in ClinVar:

ClinVar aggregate classification (germline): Uncertain significance. Review status: criteria provided, multiple submitters, no conflicts (2 of 4 stars). 2 submissions from 2 submitters: Uncertain significance (2). Last evaluated 2025-03-16.

Allele frequency attached by ClinVar (database versions not stated): gnomAD exomes 0.00001; ExAC 0.00002; gnomAD 0.00003; TOPMed 0.00003.

Submissions (2):

Labcorp Genetics (formerly Invitae), Labcorp
Classification: Uncertain significance. Last evaluated: 2025-03-16. Review status: criteria provided, single submitter. Criteria: Invitae Variant Classification Sherloc (09022015). Collection method: clinical testing. Allele origin: germline.
Comment: This sequence change replaces arginine, which is basic and polar, with glutamine, which is neutral and polar, at codon 82 of the PSENEN protein (p.Arg82Gln). This variant is present in population databases (rs199769543, gnomAD 0.008%). This variant has not been reported in the literature in individuals affected with PSENEN-related conditions. ClinVar contains an entry for this variant (Variation ID: 2462466). An algorithm developed to predict the effect of missense changes on protein structure and function (PolyPhen-2) suggests that this variant is likely to be disruptive. In summary, the available evidence is currently insufficient to determine the role of this variant in disease. Therefore, it has been classified as a Variant of Uncertain Significance.

Ambry Genetics
Classification: Uncertain significance. Last evaluated: 2023-02-15. Review status: criteria provided, single submitter. Criteria: Ambry Variant Classification Scheme 2023. Collection method: clinical testing. Allele origin: germline.

NM_172341.4(PSENEN):c.245G>A (p.Arg82Gln)

Gene: PSENEN (presenilin enhancer, gamma-secretase subunit; plus strand). Cytogenetic location: 19q13.12.
Variant type: single nucleotide variant.
Coding change: c.245G>A on transcript NM_172341.4 (MANE Select); coding-DNA position 245, G replaced by A.
Protein change: p.Arg82Gln; replaces arginine 82 with glutamine.
Molecular consequence: missense variant.
Genome position (GRCh38, 1-based): chr19:35,746,786, G>A. VCF-style: chr19-35746786-G-A. GRCh37 (hg19) VCF-style: chr19-36237687-G-A.
Other names: c.245G>A, p.Arg82Gln (NM_001281532.3); short protein forms R82Q.
Identifiers: ClinVar variation 2462466 (VCV002462466.3), dbSNP rs199769543, ClinGen allele CA9387065.
Genomic context (GRCh38, chr19:35,746,786, plus strand): 5'-TGGGCTTCCTCTTCTGGGTGATAGTGCTCACCTCCTGGATCACCATCTTCCAGATCTACC[G>A]GCCCCGCTGGGGTGCCCTTGGGGACTACCTCTCCTTCACCATACCCCTGGGCACCCCCTG-3'
Protein context (NP_758844.1, residues 72-92): TSWITIFQIY[Arg82Gln]PRWGALGDYL